The following is an entry in ClinVar:

ClinVar aggregate classification (germline): Benign. Review status: criteria provided, single submitter (1 of 4 stars). 2 submissions from 2 submitters: Benign (1). 1 of the submissions does not count toward it. Last evaluated 2025-09-21.

Conditions:
BRD4-related disorder. Also called: BRD4-related condition.

Allele frequency attached by ClinVar (database versions not stated): gnomAD exomes 0.00006; ExAC 0.00016; ESP Exome Variant Server 0.00031; gnomAD 0.00043; 1000 Genomes Project 30x 0.00047; TOPMed 0.00057; 1000 Genomes Project 0.00060.
gnomAD v4.1: 155 of 1,611,576 alleles (0.0096%); highest among the groups gnomAD compares: African/African-American, 0.17%; no homozygotes.

Submissions (2):

Labcorp Genetics (formerly Invitae), Labcorp
Classification: Benign. Last evaluated: 2025-09-21. Review status: criteria provided, single submitter. Criteria: Invitae Variant Classification Sherloc (09022015). Collection method: clinical testing. Allele origin: germline.

PreventionGenetics, part of Exact Sciences
Classification: Likely benign for BRD4-related condition. Last evaluated: 2019-03-11. Review status: no assertion criteria provided. Collection method: clinical testing. Allele origin: germline. Not counted in ClinVar's aggregate classification.
Comment: This variant is classified as likely benign based on ACMG/AMP sequence variant interpretation guidelines (Richards et al. 2015 PMID: 25741868, with internal and published modifications).

NM_001379291.1(BRD4):c.3336G>A (p.Glu1112=)

Gene: BRD4 (bromodomain containing 4; minus strand). Cytogenetic location: 19p13.12.
Variant type: single nucleotide variant.
Coding change: c.3336G>A on transcript NM_001379291.1 (MANE Select); coding-DNA position 3336, G replaced by A.
Protein change: p.Glu1112=; no amino-acid change (glutamic acid 1112 retained).
Molecular consequence: synonymous variant.
Genome position (GRCh38, 1-based): chr19:15,239,768, C>T on the plus strand (G>A on the coding strand, the complement: BRD4 is on the minus strand). VCF-style: chr19-15239768-C-T. GRCh37 (hg19) VCF-style: chr19-15350579-C-T.
Other names: c.3336G>A, p.Glu1112= (NM_058243.3); c.3336G>A (NM_058243.2).
Identifiers: ClinVar variation 2066261 (VCV002066261.6), dbSNP rs187907043, ClinGen allele CA9264710.